The following is an entry in ClinVar:

NM_003361.4(UMOD):c.1244G>A (p.Arg415His)

Gene: UMOD (uromodulin; minus strand). Cytogenetic location: 16p12.3.
Variant type: single nucleotide variant.
Coding change: c.1244G>A on transcript NM_003361.4 (MANE Select); coding-DNA position 1244, G replaced by A.
Protein change: p.Arg415His; replaces arginine 415 with histidine.
Molecular consequence: missense variant. On other transcripts: non-coding transcript variant (1).
Genome position (GRCh38, 1-based): chr16:20,344,111, C>T on the plus strand (G>A on the coding strand, the complement: UMOD is on the minus strand). VCF-style: chr16-20344111-C-T. GRCh37 (hg19) VCF-style: chr16-20355433-C-T.
Other names: c.1244G>A, p.Arg415His (NM_001378233.1, NM_001378234.1, NM_001378235.1 and 3 more transcripts); c.1343G>A, p.Arg448His (NM_001278614.2); c.1244G>A (NM_003361.2); short protein forms R448H, R415H.
Identifiers: ClinVar variation 1514916 (VCV001514916.9), dbSNP rs750171992, ClinGen allele CA7939221.

ClinVar aggregate classification (germline): Uncertain significance. Review status: criteria provided, multiple submitters, no conflicts (2 of 4 stars). 2 submissions from 2 submitters: Uncertain significance (2). Last evaluated 2025-12-03.

Conditions:
Inborn genetic diseases. Identifiers: MedGen C0950123, MeSH D030342.

Allele frequency attached by ClinVar (database versions not stated): gnomAD exomes below 0.00001 and 0.00002; TOPMed below 0.00001; ExAC 0.00002.

Submissions (2):

Ambry Genetics
Classification: Uncertain significance for Inborn genetic diseases. Last evaluated: 2025-12-03. Review status: criteria provided, single submitter. Criteria: Ambry Variant Classification Scheme 2023. Collection method: clinical testing. Allele origin: germline.

Labcorp Genetics (formerly Invitae), Labcorp
Classification: Uncertain significance. Last evaluated: 2020-11-15. Review status: criteria provided, single submitter. Criteria: Invitae Variant Classification Sherloc (09022015). Collection method: clinical testing. Allele origin: germline.
Comment: This sequence change replaces arginine with histidine at codon 415 of the UMOD protein (p.Arg415His). The arginine residue is highly conserved and there is a small physicochemical difference between arginine and histidine. This variant is present in population databases (rs750171992, ExAC 0.003%). This variant has not been reported in the literature in individuals with UMOD-related conditions. Algorithms developed to predict the effect of missense changes on protein structure and function are either unavailable or do not agree on the potential impact of this missense change (SIFT: "Deleterious"; PolyPhen-2: "Probably Damaging"; Align-GVGD: "Class C0"). In summary, the available evidence is currently insufficient to determine the role of this variant in disease. Therefore, it has been classified as a Variant of Uncertain Significance.